The following is an entry in ClinVar:

NM_017654.4(SAMD9):c.2881G>T (p.Gly961Cys)

Gene: SAMD9 (sterile alpha motif domain containing 9; minus strand). Cytogenetic location: 7q21.2.
Variant type: single nucleotide variant.
Coding change: c.2881G>T on transcript NM_017654.4 (MANE Select); coding-DNA position 2881, G replaced by T.
Protein change: p.Gly961Cys; replaces glycine 961 with cysteine.
Molecular consequence: missense variant.
Genome position (GRCh38, 1-based): chr7:93,103,217, C>A on the plus strand (G>T on the coding strand, the complement: SAMD9 is on the minus strand). VCF-style: chr7-93103217-C-A. GRCh37 (hg19) VCF-style: chr7-92732530-C-A.
Other names: c.2881G>T, p.Gly961Cys (NM_001193307.2); short protein forms G961C.
Identifiers: ClinVar variation 4629971 (VCV004629971.1).

ClinVar aggregate classification (germline): Uncertain significance (1 of 4 stars; one submission).

Conditions:
Inborn genetic diseases. Identifiers: MedGen C0950123, MeSH D030342.

gnomAD v4.1: 1 of 1,613,724 alleles (0.000062%); highest among the groups gnomAD compares: African/African-American, 0.0013%; no homozygotes.

Submission:

Ambry Genetics
Classification: Uncertain significance for Inborn genetic diseases. Last evaluated: 2025-11-29. Review status: criteria provided, single submitter. Criteria: Ambry Variant Classification Scheme 2023. Collection method: clinical testing. Allele origin: germline.
Comment: The p.G961C variant (also known as c.2881G>T), located in coding exon 1 of the SAMD9 gene, results from a G to T substitution at nucleotide position 2881. The glycine at codon 961 is replaced by cysteine, an amino acid with highly dissimilar properties. This amino acid position is conserved. In addition, the in silico prediction for this alteration is inconclusive. Based on the available evidence, the clinical significance of this variant remains unclear.